The following is an entry in ClinVar:

ClinVar aggregate classification (germline): Uncertain significance (1 of 4 stars; one submission).

Conditions:
Inborn genetic diseases. Identifiers: MedGen C0950123, MeSH D030342.

Submission:

Ambry Genetics
Classification: Uncertain significance for Inborn genetic diseases. Last evaluated: 2025-02-13. Review status: criteria provided, single submitter. Criteria: Ambry Variant Classification Scheme 2023. Collection method: clinical testing. Allele origin: germline.
Comment: The p.G1057A variant (also known as c.3170G>C), located in coding exon 18 of the RECQL4 gene, results from a G to C substitution at nucleotide position 3170. The glycine at codon 1057 is replaced by alanine, an amino acid with similar properties. This amino acid position is conserved. In addition, this alteration is predicted to be tolerated by in silico analysis. Based on the available evidence, the clinical significance of this variant remains unclear.

NM_004260.4(RECQL4):c.3170G>C (p.Gly1057Ala)

Gene: RECQL4 (RecQ like helicase 4; minus strand). Cytogenetic location: 8q24.3.
Variant type: single nucleotide variant.
Coding change: c.3170G>C on transcript NM_004260.4 (MANE Select); coding-DNA position 3170, G replaced by C.
Protein change: p.Gly1057Ala; replaces glycine 1057 with alanine.
Molecular consequence: missense variant. On other transcripts: non-coding transcript variant (3).
Genome position (GRCh38, 1-based): chr8:144,512,210, C>G on the plus strand (G>C on the coding strand, the complement: RECQL4 is on the minus strand). VCF-style: chr8-144512210-C-G. GRCh37 (hg19) VCF-style: chr8-145737593-C-G.
Other names: c.2876G>C, p.Gly959Ala (NM_001413017.1); c.2972G>C, p.Gly991Ala (NM_001413018.1); c.3245G>C, p.Gly1082Ala (NM_001413019.1); c.3074G>C, p.Gly1025Ala (NM_001413020.1); c.2099G>C, p.Gly700Ala (NM_001413021.1, NM_001413022.1, NM_001413024.1 and 4 more transcripts); c.2174G>C, p.Gly725Ala (NM_001413023.1); c.3041G>C, p.Gly1014Ala (NM_001413025.1); c.2033G>C, p.Gly678Ala (NM_001413027.1, NM_001413030.1, NM_001413032.1); and 9 more; short protein forms G634A, G656A, G678A, G725A, G703A, G940A, G1025A, G690A.
Identifiers: ClinVar variation 3788040 (VCV003788040.1).
Genomic context (GRCh38, chr8:144,512,210, plus strand): 5'-AAGGCCTGGAAGGTTCTGCGCAGACGGGCCAGGGCCTGGCGCTCCCGGGCCTGCACACGG[C>G]CATAGAGGAAGTCACATATCTGGTCCTTCTCCTCAGCGGTCAAGTCCCCCGGGCTGCGAA-3'
Protein context (NP_004251.4, residues 1047-1067): EKDQICDFLY[Gly1057Ala]RVQARERQAL